The following is an entry in ClinVar:

ClinVar aggregate classification (germline): Uncertain significance. Review status: criteria provided, multiple submitters, no conflicts (2 of 4 stars). 7 submissions from 7 submitters: Uncertain significance (7). Last evaluated 2025-12-17.

Conditions:
Endometrial carcinoma. Also called: Endometrial carcinoma, somatic. Identifiers: MedGen C0476089, MONDO:0002447, OMIM 608089, HP:0012114.
Familial adenomatous polyposis 4 (FAP4). Also called: MSH3-related attenuated familial adenomatous polyposis. Identifiers: Orphanet 480536, MedGen C4310719, MONDO:0044300, OMIM 617100.
Hereditary cancer-predisposing syndrome. Also called: Neoplastic Syndromes, Hereditary; Tumor predisposition; Hereditary neoplastic syndrome; Hereditary Cancer Syndrome. Identifiers: Orphanet 140162, MedGen C0027672, MeSH D009386, MONDO:0015356.

Allele frequency attached by ClinVar (database versions not stated): gnomAD 0.00001; TOPMed 0.00001; gnomAD exomes 0.00002 and 0.00004; ExAC 0.00003.

Submissions (7):

Labcorp Genetics (formerly Invitae), Labcorp
Classification: Uncertain significance. Last evaluated: 2025-12-17. Review status: criteria provided, single submitter. Criteria: Invitae Variant Classification Sherloc (09022015). Collection method: clinical testing. Allele origin: germline.
Comment: This sequence change replaces tyrosine, which is neutral and polar, with cysteine, which is neutral and slightly polar, at codon 646 of the MSH3 protein (p.Tyr646Cys). This variant is present in population databases (rs772586624, gnomAD 0.03%). This variant has not been reported in the literature in individuals affected with MSH3-related conditions. ClinVar contains an entry for this variant (Variation ID: 662749). An algorithm developed to predict the effect of missense changes on protein structure and function outputs the following: PolyPhen-2: "Benign". The cysteine amino acid residue is found in multiple mammalian species, which suggests that this missense change does not adversely affect protein function. In summary, the available evidence is currently insufficient to determine the role of this variant in disease. Therefore, it has been classified as a Variant of Uncertain Significance.

Ambry Genetics
Classification: Uncertain significance for Hereditary cancer-predisposing syndrome. Last evaluated: 2025-06-24. Review status: criteria provided, single submitter. Criteria: Ambry Variant Classification Scheme 2023. Collection method: clinical testing. Allele origin: germline.

GeneDx
Classification: Uncertain significance. Last evaluated: 2024-09-01. Review status: criteria provided, single submitter. Criteria: GeneDx Variant Classification Process June 2021. Collection method: clinical testing. Allele origin: germline. Affected: yes.
Comment: In silico analysis indicates that this missense variant does not alter protein structure/function; Has not been previously published as pathogenic or benign to our knowledge

Baylor Genetics
Classification: Uncertain significance for Endometrial carcinoma. Last evaluated: 2024-01-23. Review status: criteria provided, single submitter. Criteria: ACMG Guidelines, 2015. Collection method: clinical testing. Allele origin: unknown.

Department of Pathology and Laboratory Medicine, Sinai Health System
Classification: Uncertain significance for Endometrial carcinoma; Familial adenomatous polyposis 4. Last evaluated: 2022-08-30. Review status: criteria provided, single submitter. Criteria: ACMG Guidelines, 2015. Collection method: clinical testing. Allele origin: germline. Affected: yes.

Sema4
Classification: Uncertain significance for Hereditary cancer-predisposing syndrome. Last evaluated: 2021-10-07. Review status: criteria provided, single submitter. Criteria: Sema4 Curation Guidelines. Collection method: curation. Allele origin: germline.
Comment: The MSH3 c.1937A>G (p.Y646C) variant has not been reported in the literature to our knowledge. It was observed in 9/30604 chromosomes of the South Asian subpopulation in the large and broad cohorts of the Genome Aggregation Database (PMID: 32461654). The variant has been reported in ClinVar (Variation ID 662749). Functional studies have not been performed, and in silico predictions of the variant's effect on protein function are inconclusive. The evidence is insufficient to meet ACMG/AMP criteria for classifying the variant as benign or pathogenic. Thus, the clinical significance of this variant is currently uncertain.

Breakthrough Genomics
Classification: Uncertain significance. Review status: criteria provided, single submitter. Criteria: ACMG Guidelines, 2015. Collection method: not provided. Allele origin: germline. Inheritance: Autosomal recessive inheritance. Affected: yes.

NM_002439.5(MSH3):c.1937A>G (p.Tyr646Cys)

Gene: MSH3 (mutS homolog 3; plus strand). Cytogenetic location: 5q14.1.
Variant type: single nucleotide variant.
Coding change: c.1937A>G on transcript NM_002439.5 (MANE Select); coding-DNA position 1937, A replaced by G.
Protein change: p.Tyr646Cys; replaces tyrosine 646 with cysteine.
Molecular consequence: missense variant.
Genome position (GRCh38, 1-based): chr5:80,767,973, A>G. VCF-style: chr5-80767973-A-G. GRCh37 (hg19) VCF-style: chr5-80063792-A-G.
Other names: short protein forms Y646C.
Identifiers: ClinVar variation 662749 (VCV000662749.17), dbSNP rs772586624, ClinGen allele CA3328103.